The following is an entry in ClinVar:

ClinVar aggregate classification (germline): Uncertain significance. Review status: criteria provided, multiple submitters, no conflicts (2 of 4 stars). 2 submissions from 2 submitters: Uncertain significance (2). Last evaluated 2025-10-21.

Conditions:
Glycogen storage disease IV, classic hepatic. Also called: GSD IV, CLASSIC HEPATIC. Identifiers: MedGen C1856301.
Glycogen storage disease, type IV (GSD4). Also called: BRANCHER DEFICIENCY; CIRRHOSIS, FAMILIAL, WITH DEPOSITION OF ABNORMAL GLYCOGEN; AMYLOPECTINOSIS; ANDERSEN DISEASE; Glycogen storage disease due to glycogen branching enzyme deficiency; GBE1 DEFICIENCY. Identifiers: Orphanet 367, MedGen C0017923, MONDO:0009292, OMIM 232500.
Inborn genetic diseases. Identifiers: MedGen C0950123, MeSH D030342.

Allele frequency attached by ClinVar (database versions not stated): ExAC 0.00002.
gnomAD v4.1: 12 of 1,591,678 alleles (0.00075%); highest among the groups gnomAD compares: South Asian, 0.0035%; no homozygotes.

Submissions (2):

Ambry Genetics
Classification: Uncertain significance for Inborn genetic diseases. Last evaluated: 2025-10-21. Review status: criteria provided, single submitter. Criteria: Ambry Variant Classification Scheme 2023. Collection method: clinical testing. Allele origin: germline.

Labcorp Genetics (formerly Invitae), Labcorp
Classification: Uncertain significance for Glycogen storage disease, type IV; Glycogen storage disease IV, classic hepatic. Last evaluated: 2022-04-12. Review status: criteria provided, single submitter. Criteria: Invitae Variant Classification Sherloc (09022015). Collection method: clinical testing. Allele origin: germline.
Comment: This sequence change replaces arginine, which is basic and polar, with histidine, which is basic and polar, at codon 576 of the GBE1 protein (p.Arg576His). This variant is present in population databases (rs772010489, gnomAD 0.007%). This variant has not been reported in the literature in individuals affected with GBE1-related conditions. Algorithms developed to predict the effect of missense changes on protein structure and function are either unavailable or do not agree on the potential impact of this missense change (SIFT: "Not Available"; PolyPhen-2: "Probably Damaging"; Align-GVGD: "Not Available"). In summary, the available evidence is currently insufficient to determine the role of this variant in disease. Therefore, it has been classified as a Variant of Uncertain Significance.

NM_000158.4(GBE1):c.1727G>A (p.Arg576His)

Gene: GBE1 (1,4-alpha-glucan branching enzyme 1; minus strand). Cytogenetic location: 3p12.2.
Variant type: single nucleotide variant.
Coding change: c.1727G>A on transcript NM_000158.4 (MANE Select); coding-DNA position 1727, G replaced by A.
Protein change: p.Arg576His; replaces arginine 576 with histidine.
Molecular consequence: missense variant.
Genome position (GRCh38, 1-based): chr3:81,536,987, C>T on the plus strand (G>A on the coding strand, the complement: GBE1 is on the minus strand). VCF-style: chr3-81536987-C-T. GRCh37 (hg19) VCF-style: chr3-81586138-C-T.
Other names: c.1727G>A (NM_000158.3); short protein forms R576H.
Identifiers: ClinVar variation 2168285 (VCV002168285.2), dbSNP rs772010489, ClinGen allele CA2499580.